The following is an entry in ClinVar:

NM_198253.3(TERT):c.2471C>T (p.Ser824Phe)

Gene: TERT (telomerase reverse transcriptase; minus strand). Cytogenetic location: 5p15.33.
Variant type: single nucleotide variant.
Coding change: c.2471C>T on transcript NM_198253.3 (MANE Select); coding-DNA position 2471, C replaced by T.
Protein change: p.Ser824Phe; replaces serine 824 with phenylalanine.
Molecular consequence: missense variant. On other transcripts: non-coding transcript variant (2).
Genome position (GRCh38, 1-based): chr5:1,268,631, G>A on the plus strand (C>T on the coding strand, the complement: TERT is on the minus strand). VCF-style: chr5-1268631-G-A. GRCh37 (hg19) VCF-style: chr5-1268746-G-A.
Other names: c.2471C>T, p.Ser824Phe (NM_001193376.3); short protein forms S824F.
Identifiers: ClinVar variation 3805747 (VCV003805747.1).

ClinVar aggregate classification (germline): Uncertain significance (1 of 4 stars; one submission).

Conditions:
Dyskeratosis congenita. Identifiers: Orphanet 1775, MedGen C0265965, MONDO:0015780.

Submission:

Ambry Genetics
Classification: Uncertain significance for Dyskeratosis congenita. Last evaluated: 2025-03-08. Review status: criteria provided, single submitter. Criteria: Ambry Variant Classification Scheme 2023. Collection method: clinical testing. Allele origin: germline.
Comment: The p.S824F variant (also known as c.2471C>T), located in coding exon 9 of the TERT gene, results from a C to T substitution at nucleotide position 2471. The serine at codon 824 is replaced by phenylalanine, an amino acid with highly dissimilar properties. This amino acid position is conserved. In addition, this alteration is predicted to be tolerated by in silico analysis. Based on the available evidence, the clinical significance of this variant remains unclear.